The following is an entry in ClinVar:

ClinVar aggregate classification (germline): Uncertain significance (1 of 4 stars; one submission).

Allele frequency attached by ClinVar (database versions not stated): gnomAD 0.00001; TOPMed 0.00002.

Submission:

Labcorp Genetics (formerly Invitae), Labcorp
Classification: Uncertain significance. Last evaluated: 2024-10-24. Review status: criteria provided, single submitter. Criteria: Invitae Variant Classification Sherloc (09022015). Collection method: clinical testing. Allele origin: germline.
Comment: This sequence change replaces histidine, which is basic and polar, with tyrosine, which is neutral and polar, at codon 234 of the GTPBP3 protein (p.His234Tyr). This variant is present in population databases (no rsID available, gnomAD 0.006%). This variant has not been reported in the literature in individuals affected with GTPBP3-related conditions. ClinVar contains an entry for this variant (Variation ID: 2184263). An algorithm developed to predict the effect of missense changes on protein structure and function (PolyPhen-2) suggests that this variant is likely to be tolerated. In summary, the available evidence is currently insufficient to determine the role of this variant in disease. Therefore, it has been classified as a Variant of Uncertain Significance.

NM_032620.4(GTPBP3):c.664+36C>T

Gene: GTPBP3 (GTP binding protein 3, mitochondrial; plus strand). Cytogenetic location: 19p13.11.
Variant type: single nucleotide variant.
Coding change: c.664+36C>T on transcript NM_032620.4 (MANE Select); 36 bases into the intron after coding-DNA position 664, C replaced by T.
Molecular consequence: intron variant. On other transcripts: missense variant (1).
Genome position (GRCh38, 1-based): chr19:17,339,062, C>T. VCF-style: chr19-17339062-C-T. GRCh37 (hg19) VCF-style: chr19-17449871-C-T.
Other names: c.700C>T, p.His234Tyr (NM_133644.4); c.730+36C>T (NM_001195422.1); c.664+36C>T (NM_001128855.3); short protein forms H234Y.
Identifiers: ClinVar variation 2184263 (VCV002184263.4), dbSNP rs1268083774, ClinGen allele CA404735756.